The following is an entry in ClinVar:

ClinVar aggregate classification (germline): Uncertain significance (1 of 4 stars; one submission).

Conditions:
Candidiasis, familial, 9 (CANDF9). Identifiers: Orphanet 1334, MedGen C4225324, MONDO:0014642, OMIM 616445.

Allele frequency attached by ClinVar (database versions not stated): ExAC 0.00001.
gnomAD v4.1: 28 of 1,614,032 alleles (0.0017%); highest among the groups gnomAD compares: Admixed American, 0.0033%; no homozygotes.

Submission:

Labcorp Genetics (formerly Invitae), Labcorp
Classification: Uncertain significance for Candidiasis, familial, 9. Last evaluated: 2024-03-21. Review status: criteria provided, single submitter. Criteria: Invitae Variant Classification Sherloc (09022015). Collection method: clinical testing. Allele origin: germline.
Comment: This sequence change replaces threonine, which is neutral and polar, with methionine, which is neutral and non-polar, at codon 101 of the IL17RC protein (p.Thr101Met). This variant is present in population databases (rs755594301, gnomAD 0.006%). This variant has not been reported in the literature in individuals affected with IL17RC-related conditions. ClinVar contains an entry for this variant (Variation ID: 1942686). An algorithm developed to predict the effect of missense changes on protein structure and function (PolyPhen-2) suggests that this variant is likely to be disruptive. In summary, the available evidence is currently insufficient to determine the role of this variant in disease. Therefore, it has been classified as a Variant of Uncertain Significance.

NM_153460.4(IL17RC):c.106-96C>T

Gene: IL17RC (interleukin 17 receptor C; plus strand). Cytogenetic location: 3p25.3.
Variant type: single nucleotide variant.
Coding change: c.106-96C>T on transcript NM_153460.4 (MANE Select); 96 bases into the intron before coding-DNA position 106, C replaced by T.
Molecular consequence: intron variant. On other transcripts: missense variant (1).
Genome position (GRCh38, 1-based): chr3:9,917,617, C>T. VCF-style: chr3-9917617-C-T. GRCh37 (hg19) VCF-style: chr3-9959301-C-T.
Other names: c.302C>T, p.Thr101Met (NM_153461.4); c.106-96C>T (NM_001203263.2, NM_001203264.2, NM_001367278.1 and 4 more transcripts); short protein forms T101M.
Identifiers: ClinVar variation 1942686 (VCV001942686.5), dbSNP rs755594301, ClinGen allele CA2246697.